The following is an entry in ClinVar:

NM_003900.5(SQSTM1):c.194C>A (p.Ala65Glu)

Genes: SQSTM1 (sequestosome 1; plus strand), LOC129995449 (ATAC-STARR-seq lymphoblastoid silent region 16749; plus strand). Cytogenetic location: 5q35.3.
Variant type: single nucleotide variant.
Coding change: c.194C>A on transcript NM_003900.5 (MANE Select); coding-DNA position 194, C replaced by A.
Protein change: p.Ala65Glu; replaces alanine 65 with glutamic acid.
Molecular consequence: missense variant. On other transcripts: intron variant (2).
Genome position (GRCh38, 1-based): chr5:179,821,130, C>A. VCF-style: chr5-179821130-C-A. GRCh37 (hg19) VCF-style: chr5-179248130-C-A.
Other names: c.-47-1828C>A (NM_001142298.2, NM_001142299.2); c.194C>A (NM_003900.4); short protein forms A65E.
Identifiers: ClinVar variation 2932020 (VCV002932020.4), dbSNP rs1329987766, ClinGen allele CA362442546.

ClinVar aggregate classification (germline): Uncertain significance. Review status: criteria provided, multiple submitters, no conflicts (2 of 4 stars). 2 submissions from 2 submitters: Uncertain significance (2). Last evaluated 2025-03-10.

Conditions:
Paget disease of bone 2, early-onset (PDB2). Also called: Paget disease of bone 2. Identifiers: MedGen C4085251, MONDO:0011183, OMIM 602080.
Frontotemporal dementia and/or amyotrophic lateral sclerosis 1 (FTDALS1). Also called: C9orf72 Frontotemporal Dementia and/or Amyotrophic Lateral Sclerosis; Frontotemporal dementia with motor neuron disease 1. Identifiers: Orphanet 275872, MedGen C5779877, MONDO:0007105, OMIM 105550.
Inborn genetic diseases. Identifiers: MedGen C0950123, MeSH D030342.

Allele frequency attached by ClinVar (database versions not stated): gnomAD exomes 0.00001; gnomAD 0.00002; TOPMed 0.00002.
gnomAD v4.1: 9 of 1,363,062 alleles (0.00066%); highest among the groups gnomAD compares: South Asian, 0.0017%; no homozygotes.

Submissions (2):

Ambry Genetics
Classification: Uncertain significance for Inborn genetic diseases. Last evaluated: 2025-03-10. Review status: criteria provided, single submitter. Criteria: Ambry Variant Classification Scheme 2023. Collection method: clinical testing. Allele origin: germline.

Labcorp Genetics (formerly Invitae), Labcorp
Classification: Uncertain significance for Paget disease of bone 2, early-onset; Frontotemporal dementia and/or amyotrophic lateral sclerosis 1. Last evaluated: 2023-11-17. Review status: criteria provided, single submitter. Criteria: Invitae Variant Classification Sherloc (09022015). Collection method: clinical testing. Allele origin: germline.
Comment: This sequence change replaces alanine, which is neutral and non-polar, with glutamic acid, which is acidic and polar, at codon 65 of the SQSTM1 protein (p.Ala65Glu). This variant is not present in population databases (gnomAD no frequency). This variant has not been reported in the literature in individuals affected with SQSTM1-related conditions. Advanced modeling of protein sequence and biophysical properties (such as structural, functional, and spatial information, amino acid conservation, physicochemical variation, residue mobility, and thermodynamic stability) performed at Invitae indicates that this missense variant is not expected to disrupt SQSTM1 protein function with a negative predictive value of 80%. In summary, the available evidence is currently insufficient to determine the role of this variant in disease. Therefore, it has been classified as a Variant of Uncertain Significance.